The following is an entry in ClinVar:

NM_173086.5(KRT6C):c.1314G>A (p.Lys438=)

Gene: KRT6C (keratin 6C; minus strand). Cytogenetic location: 12q13.13.
Variant type: single nucleotide variant.
Coding change: c.1314G>A on transcript NM_173086.5 (MANE Select); coding-DNA position 1314, G replaced by A.
Protein change: p.Lys438=; no amino-acid change (lysine 438 retained).
Molecular consequence: synonymous variant.
Genome position (GRCh38, 1-based): chr12:52,469,780, C>T on the plus strand (G>A on the coding strand, the complement: KRT6C is on the minus strand). VCF-style: chr12-52469780-C-T. GRCh37 (hg19) VCF-style: chr12-52863564-C-T.
Other names: c.1314G>A (NM_173086.4).
Identifiers: ClinVar variation 1300093 (VCV001300093.13), dbSNP rs3894847, ClinGen allele CA6581155.

ClinVar aggregate classification (germline): Benign. Review status: criteria provided, multiple submitters, no conflicts (2 of 4 stars). 4 submissions from 4 submitters: Benign (3). 1 of the submissions does not count toward it. Last evaluated 2026-02-04.

Conditions:
KRT6C-related disorder. Also called: KRT6C-related condition.
Palmoplantar keratoderma, nonepidermolytic, focal or diffuse (PPKNEFD). Also called: PALMOPLANTAR KERATODERMA, FOCAL OR DIFFUSE. Identifiers: Orphanet 402003, MedGen C3810394, MONDO:0014327, OMIM 615735.

Allele frequency attached by ClinVar (database versions not stated): gnomAD exomes 0.23259 and 0.21800; ESP Exome Variant Server 0.22077; ExAC 0.22540; gnomAD 0.23353 and 0.23563; TOPMed 0.23747; 1000 Genomes Project 0.23502; 1000 Genomes Project 30x 0.23704.
gnomAD v4.1: 354,416 of 1,613,874 alleles (22%); highest among the groups gnomAD compares: Admixed American, 32%; 39,980 homozygotes.

Submissions (4):

Labcorp Genetics (formerly Invitae), Labcorp
Classification: Benign. Last evaluated: 2026-02-04. Review status: criteria provided, single submitter. Criteria: Invitae Variant Classification Sherloc (09022015). Collection method: clinical testing. Allele origin: germline.

Genome-Nilou Lab
Classification: Benign for Palmoplantar keratoderma, nonepidermolytic, focal or diffuse. Last evaluated: 2021-08-19. Review status: criteria provided, single submitter. Criteria: ACMG Guidelines, 2015. Collection method: clinical testing. Allele origin: germline. Affected: no.

Breakthrough Genomics
Classification: Benign. Review status: criteria provided, single submitter. Criteria: ACMG Guidelines, 2015. Collection method: not provided. Allele origin: germline. Inheritance: Autosomal dominant inheritance. Affected: yes.

PreventionGenetics, part of Exact Sciences
Classification: Benign for KRT6C-related condition. Last evaluated: 2019-10-23. Review status: no assertion criteria provided. Collection method: clinical testing. Allele origin: germline. Not counted in ClinVar's aggregate classification.
Comment: This variant is classified as benign based on ACMG/AMP sequence variant interpretation guidelines (Richards et al. 2015 PMID: 25741868, with internal and published modifications).